The following is an entry in ClinVar:

ClinVar aggregate classification (germline): Uncertain significance. Review status: criteria provided, multiple submitters, no conflicts (2 of 4 stars). 2 submissions from 2 submitters: Uncertain significance (2). Last evaluated 2024-06-17.

gnomAD v4.1: 2 of 1,614,000 alleles (0.00012%); highest among the groups gnomAD compares: Admixed American, 0.0033%; no homozygotes.

Submissions (2):

Ambry Genetics
Classification: Uncertain significance. Last evaluated: 2024-06-17. Review status: criteria provided, single submitter. Criteria: Ambry Variant Classification Scheme 2023. Collection method: clinical testing. Allele origin: germline.

Labcorp Genetics (formerly Invitae), Labcorp
Classification: Uncertain significance. Last evaluated: 2024-06-12. Review status: criteria provided, single submitter. Criteria: Invitae Variant Classification Sherloc (09022015). Collection method: clinical testing. Allele origin: germline.
Comment: This sequence change replaces proline, which is neutral and non-polar, with threonine, which is neutral and polar, at codon 164 of the KCNK4 protein (p.Pro164Thr). This variant is not present in population databases (gnomAD no frequency). This variant has not been reported in the literature in individuals affected with KCNK4-related conditions. ClinVar contains an entry for this variant (Variation ID: 1377451). An algorithm developed to predict the effect of missense changes on protein structure and function (PolyPhen-2) suggests that this variant is likely to be tolerated. In summary, the available evidence is currently insufficient to determine the role of this variant in disease. Therefore, it has been classified as a Variant of Uncertain Significance.

NM_033310.3(KCNK4):c.490C>A (p.Pro164Thr)

Genes: KCNK4 (potassium two pore domain channel subfamily K member 4; plus strand), KCNK4-CATSPERZ (KCNK4-CATSPERZ readthrough (NMD candidate); plus strand). Cytogenetic location: 11q13.1.
Variant type: single nucleotide variant.
Coding change: c.490C>A on transcript NM_033310.3 (MANE Select); coding-DNA position 490, C replaced by A.
Protein change: p.Pro164Thr; replaces proline 164 with threonine.
Molecular consequence: missense variant. On other transcripts: non-coding transcript variant (1).
Genome position (GRCh38, 1-based): chr11:64,297,482, C>A. VCF-style: chr11-64297482-C-A. GRCh37 (hg19) VCF-style: chr11-64064954-C-A.
Other names: c.490C>A (NM_033310.2); c.490C>A, p.Pro164Thr (NM_001317090.2); short protein forms P164T.
Identifiers: ClinVar variation 1377451 (VCV001377451.7), dbSNP rs1015112288, ClinGen allele CA223878533.